The following is an entry in ClinVar:

ClinVar aggregate classification (germline): Uncertain significance. Review status: criteria provided, multiple submitters, no conflicts (2 of 4 stars). 11 submissions from 7 submitters: Uncertain significance (11). Last evaluated 2023-09-01.

Conditions:
Early-onset myopathy with fatal cardiomyopathy (CMYO5). Also called: CONGENITAL MYOPATHY 5 WITH CARDIOMYOPATHY; Salih Myopathy. Identifiers: Orphanet 289377, MedGen C2673677, MONDO:0012714, OMIM 611705. Disease mechanism: loss of function.
Dilated cardiomyopathy 1G (CMD1G). Identifiers: Orphanet 154, MedGen C1858763, MONDO:0011400, OMIM 604145.
Autosomal recessive limb-girdle muscular dystrophy type 2J (LGMDR10). Also called: MUSCULAR DYSTROPHY, LIMB-GIRDLE, AUTOSOMAL RECESSIVE 10; Limb-girdle muscular dystrophy, type 2J. Identifiers: Orphanet 140922, MedGen C1837342, MONDO:0012127, OMIM 608807.
Cardiomyopathy (CMYO). Also called: Cardiomyopathies. Identifiers: Orphanet 167848, MedGen C0878544, MONDO:0004994, HP:0001638. Inheritance: Various modes of inheritance.
Tibial muscular dystrophy (TMD). Also called: Udd Distal Myopathy – Tibial Muscular Dystrophy; UDD MYOPATHY; Tibial muscular dystrophy, tardive. Identifiers: Orphanet 609, MedGen C1838244, MONDO:0010870, OMIM 600334.
Hypertrophic cardiomyopathy 9. Also called: Familial hypertrophic cardiomyopathy 9. Identifiers: MedGen C1861065, MONDO:0013412, OMIM 613765.
Myopathy, myofibrillar, 9, with early respiratory failure (MFM9). Also called: Myopathy, distal, with early respiratory failure, autosomal dominant; EDSTROM MYOPATHY; Hereditary myopathy with early respiratory failure; MYOPATHY, PROXIMAL, WITH EARLY RESPIRATORY MUSCLE INVOLVEMENT. Identifiers: Orphanet 178464, Orphanet 34521, MedGen C1863599, MONDO:0011362, OMIM 603689.

Allele frequency attached by ClinVar (database versions not stated): gnomAD exomes 0.00002 and 0.00008; gnomAD 0.00003; TOPMed 0.00003; ESP Exome Variant Server 0.00017.
gnomAD v4.1: 119 of 1,609,256 alleles (0.0074%); highest among the groups gnomAD compares: Non-Finnish European, 0.0099%; no homozygotes.

Submissions (11):

CeGaT Center for Human Genetics Tuebingen
Classification: Uncertain significance. Last evaluated: 2023-09-01. Review status: criteria provided, single submitter. Criteria: CeGaT Center For Human Genetics Tuebingen Variant Classification Criteria Version 2. Collection method: clinical testing. Allele origin: germline. Affected: yes. Observed: 1 variant allele.
Comment: TTN: PM2, BP4

Revvity Omics, Revvity
Classification: Uncertain significance. Last evaluated: 2023-08-16. Review status: criteria provided, single submitter. Criteria: ACMG Guidelines, 2015. Collection method: clinical testing. Allele origin: germline.

Fulgent Genetics
Classification: Uncertain significance for Tibial muscular dystrophy; Myopathy, myofibrillar, 9, with early respiratory failure; Dilated cardiomyopathy 1G; Autosomal recessive limb-girdle muscular dystrophy type 2J; Early-onset myopathy with fatal cardiomyopathy; Hypertrophic cardiomyopathy 9. Last evaluated: 2021-08-09. Review status: criteria provided, single submitter. Criteria: ACMG Guidelines, 2015. Collection method: clinical testing. Allele origin: unknown.

GeneDx
Classification: Uncertain significance. Last evaluated: 2019-05-04. Review status: criteria provided, single submitter. Criteria: GeneDx Variant Classification Process June 2021. Collection method: clinical testing. Allele origin: germline. Affected: yes.
Comment: Not observed at a significant frequency in large population cohorts (Lek et al., 2016); Missense variant in a gene in which most reported pathogenic variants are truncating/loss-of-function; Has not been previously published as pathogenic or benign to our knowledge

Illumina Laboratory Services, Illumina
Classification: Uncertain significance for Myopathy, myofibrillar, 9, with early respiratory failure. Last evaluated: 2018-01-13. Review status: criteria provided, single submitter. Criteria: ICSL Variant Classification Criteria 13 December 2019. Collection method: clinical testing. Allele origin: germline.

Illumina Laboratory Services, Illumina
Classification: Uncertain significance for Autosomal recessive limb-girdle muscular dystrophy type 2J. Last evaluated: 2018-01-13. Review status: criteria provided, single submitter. Criteria: ICSL Variant Classification Criteria 13 December 2019. Collection method: clinical testing. Allele origin: germline.

Illumina Laboratory Services, Illumina
Classification: Uncertain significance for Tibial muscular dystrophy. Last evaluated: 2018-01-13. Review status: criteria provided, single submitter. Criteria: ICSL Variant Classification Criteria 13 December 2019. Collection method: clinical testing. Allele origin: germline.

Illumina Laboratory Services, Illumina
Classification: Uncertain significance for Early-onset myopathy with fatal cardiomyopathy. Last evaluated: 2018-01-13. Review status: criteria provided, single submitter. Criteria: ICSL Variant Classification Criteria 13 December 2019. Collection method: clinical testing. Allele origin: germline.

Illumina Laboratory Services, Illumina
Classification: Uncertain significance for Dilated cardiomyopathy 1G. Last evaluated: 2018-01-13. Review status: criteria provided, single submitter. Criteria: ICSL Variant Classification Criteria 13 December 2019. Collection method: clinical testing. Allele origin: germline.

CHEO Genetics Diagnostic Laboratory, Children's Hospital of Eastern Ontario
Classification: Uncertain significance for Cardiomyopathy. Last evaluated: 2017-11-28. Review status: criteria provided, single submitter. Criteria: ACMG Guidelines, 2015. Collection method: clinical testing. Allele origin: germline.

Labcorp Genetics (formerly Invitae), Labcorp
Classification: Uncertain significance for Dilated cardiomyopathy 1G; Autosomal recessive limb-girdle muscular dystrophy type 2J. Last evaluated: 2017-10-31. Review status: criteria provided, single submitter. Criteria: Invitae Variant Classification Sherloc (09022015). Collection method: clinical testing. Allele origin: germline.

NM_001267550.2(TTN):c.19118A>G (p.Glu6373Gly)

Gene: TTN (titin; minus strand). Cytogenetic location: 2q31.2.
Variant type: single nucleotide variant.
Coding change: c.19118A>G on transcript NM_001267550.2 (MANE Select); coding-DNA position 19118, A replaced by G.
Protein change: p.Glu6373Gly; replaces glutamic acid 6373 with glycine.
Molecular consequence: missense variant. On other transcripts: intron variant (3).
Genome position (GRCh38, 1-based): chr2:178,728,920, T>C on the plus strand (A>G on the coding strand, the complement: TTN is on the minus strand). VCF-style: chr2-178728920-T-C. GRCh37 (hg19) VCF-style: chr2-179593647-T-C.
Other names: c.18167A>G, p.Glu6056Gly (NM_001256850.1); c.15386A>G, p.Glu5129Gly (NM_133378.4); c.13282+9162A>G (NM_003319.4); c.13858+9162A>G (NM_133437.4); c.13657+9162A>G (NM_133432.3); short protein forms E6373G, E5129G, E6056G.
Identifiers: ClinVar variation 332920 (VCV000332920.34), dbSNP rs367868361, ClinGen allele CA10613161.
Genomic context (GRCh38, chr2:178,728,920, plus strand): 5'-GACTATCTTTGAAAGAGAATAGCTTACAAACCTTGTACTAAAAGGAAAGCATAACACCTC[T>C]CAACTCCTGACTCATTCTTGGCTTGACAGGTATATCTCCCACTGTGTCCATTATCCACAC-3'
Protein context (NP_001254479.2, residues 6363-6383): TCQAKNESGV[Glu6373Gly]RCYAFLLVQE